The following is an entry in ClinVar:

NM_001032283.3(TMPO):c.565+2337G>T

Gene: TMPO (thymopoietin; plus strand). Cytogenetic location: 12q23.1.
Variant type: single nucleotide variant.
Coding change: c.565+2337G>T on transcript NM_001032283.3 (MANE Select); 2337 bases into the intron after coding-DNA position 565, G replaced by T.
Molecular consequence: intron variant. On other transcripts: missense variant (1).
Genome position (GRCh38, 1-based): chr12:98,534,175, G>T. VCF-style: chr12-98534175-G-T. GRCh37 (hg19) VCF-style: chr12-98927953-G-T.
Other names: c.1918G>T, p.Ala640Ser (NM_003276.2); c.565+2337G>T (NM_001307975.2, NM_001032284.3); short protein forms A640S.
Identifiers: ClinVar variation 5030962 (VCV005030962.1).
Genomic context (GRCh38, chr12:98,534,175, plus strand): 5'-AAAACATATGATGCAGCCTCATATATTTGTGAAGCTGCATTTGATGAAGTGAAGATGGCT[G>T]CCCATACCATGGGAAATGCCACTGTAGGTCGTCGATACCTCTGGCTGAAGGATTGCAAAA-3'

ClinVar aggregate classification (germline): Uncertain significance (1 of 4 stars; one submission).

Submission:

Ambry Genetics
Classification: Uncertain significance. Last evaluated: 2026-07-26. Review status: criteria provided, single submitter. Criteria: Ambry Variant Classification Scheme 2023. Collection method: clinical testing. Allele origin: germline.
Comment: The p.A640S variant (also known as c.1918G>T), located in coding exon 4 of the TMPO gene, results from a G to T substitution at nucleotide position 1918. The alanine at codon 640 is replaced by serine, an amino acid with similar properties. This amino acid position is conserved. In addition, this alteration is predicted to be tolerated by in silico analysis. Based on the available evidence, the clinical significance of this variant remains unclear.